The following is an entry in ClinVar:

ClinVar aggregate classification (germline): Pathogenic. Review status: criteria provided, multiple submitters, no conflicts (2 of 4 stars). 2 submissions from 2 submitters: Pathogenic (2). Last evaluated 2025-07-14.

Conditions:
Myoclonic dystonia 11 (DYT11). Also called: DYT-SGCE; Myoclonic dystonia; Dystonia 11; Dystonia, alcohol responsive; Hereditary essential myoclonus; SGCE Myoclonus-Dystonia. Identifiers: Orphanet 36899, MedGen C1834570, MONDO:0008044, OMIM 159900.

Submissions (2):

GeneDx
Classification: Pathogenic. Last evaluated: 2025-07-14. Review status: criteria provided, single submitter. Criteria: GeneDx Variant Classification Process June 2021. Collection method: clinical testing. Allele origin: germline. Affected: yes.
Comment: Canonical splice site variant predicted to result in a null allele in a gene for which loss of function is a known mechanism of disease; Not observed at significant frequency in large population cohorts (gnomAD); Has not been previously published as pathogenic or benign to our knowledge; This variant is associated with the following publications: (PMID: 15389977, 12821748, 17853490, 16199547, 24297365)

Labcorp Genetics (formerly Invitae), Labcorp
Classification: Pathogenic for Myoclonic dystonia 11. Last evaluated: 2023-08-27. Review status: criteria provided, single submitter. Criteria: Invitae Variant Classification Sherloc (09022015). Collection method: clinical testing. Allele origin: germline.
Comment: This sequence change affects a donor splice site in intron 1 of the SGCE gene. It is expected to disrupt RNA splicing. Variants that disrupt the donor or acceptor splice site typically lead to a loss of protein function (PMID: 16199547), and loss-of-function variants in SGCE are known to be pathogenic (PMID: 12821748, 15389977, 17853490, 24297365). This variant is not present in population databases (gnomAD no frequency). Disruption of this splice site has been observed in individuals with myoclonic dystonia (PMID: 17296918, 27441098). It has also been observed to segregate with disease in related individuals. ClinVar contains an entry for this variant (Variation ID: 1067508). Algorithms developed to predict the effect of sequence changes on RNA splicing suggest that this variant may disrupt the consensus splice site. For these reasons, this variant has been classified as Pathogenic.

Literature cited by the submitters: PubMed 16199547 (cited by Labcorp Genetics (formerly Invitae), Labcorp); PubMed 12821748 (cited by Labcorp Genetics (formerly Invitae), Labcorp); PubMed 15389977 (cited by Labcorp Genetics (formerly Invitae), Labcorp); PubMed 17853490 (cited by Labcorp Genetics (formerly Invitae), Labcorp); PubMed 24297365 (cited by Labcorp Genetics (formerly Invitae), Labcorp); PubMed 17296918 (cited by Labcorp Genetics (formerly Invitae), Labcorp); PubMed 27441098 (cited by Labcorp Genetics (formerly Invitae), Labcorp).

NM_003919.3(SGCE):c.109+2T>C

Gene: SGCE (sarcoglycan epsilon; minus strand). Cytogenetic location: 7q21.3.
Variant type: single nucleotide variant.
Coding change: c.109+2T>C on transcript NM_003919.3 (MANE Select); the canonical splice donor site of the intron after coding-DNA position 109, T replaced by C.
Molecular consequence: splice donor variant.
Genome position (GRCh38, 1-based): chr7:94,655,988, A>G on the plus strand (T>C on the coding strand, the complement: SGCE is on the minus strand). VCF-style: chr7-94655988-A-G. GRCh37 (hg19) VCF-style: chr7-94285300-A-G.
Other names: c.109+2T>C (NM_001362809.2, NM_001301139.2, NM_001346717.2 and 4 more transcripts); c.-155+2T>C (NM_001362807.2); c.-227+2T>C (NM_001362808.2, NM_001346720.2); c.-149+2T>C (NM_001346719.2).
Identifiers: ClinVar variation 1067508 (VCV001067508.10), dbSNP rs2117137466, ClinGen allele CA368393538.